The following is an entry in ClinVar:

NM_020436.5(SALL4):c.1679A>G (p.Lys560Arg)

Gene: SALL4 (spalt like transcription factor 4; minus strand). Cytogenetic location: 20q13.2.
Variant type: single nucleotide variant.
Coding change: c.1679A>G on transcript NM_020436.5 (MANE Select); coding-DNA position 1679, A replaced by G.
Protein change: p.Lys560Arg; replaces lysine 560 with arginine.
Molecular consequence: missense variant. On other transcripts: intron variant (1).
Genome position (GRCh38, 1-based): chr20:51,790,804, T>C on the plus strand (A>G on the coding strand, the complement: SALL4 is on the minus strand). VCF-style: chr20-51790804-T-C. GRCh37 (hg19) VCF-style: chr20-50407343-T-C.
Other names: c.1150+529A>G (NM_001318031.2); short protein forms K560R.
Identifiers: ClinVar variation 3336453 (VCV003336453.1).

ClinVar aggregate classification (germline): Uncertain significance (1 of 4 stars; one submission).

Submission:

Women's Health and Genetics/Laboratory Corporation of America, LabCorp
Classification: Uncertain significance. Last evaluated: 2024-05-22. Review status: criteria provided, single submitter. Criteria: LabCorp Variant Classification Summary - May 2015. Collection method: clinical testing. Allele origin: germline.
Comment: Variant summary: SALL4 c.1679A>G (p.Lys560Arg) results in a conservative amino acid change in the encoded protein sequence. Three of five in-silico tools predict a benign effect of the variant on protein function. The variant was absent in 251416 control chromosomes. The available data on variant occurrences in the general population are insufficient to allow any conclusion about variant significance. To our knowledge, no occurrence of c.1679A>G in individuals affected with SALL4-Related Disorders and no experimental evidence demonstrating its impact on protein function have been reported. No submitters have cited clinical-significance assessments for this variant to ClinVar. Based on the evidence outlined above, the variant was classified as uncertain significance.